The following is an entry in ClinVar:

NM_025137.4(SPG11):c.2039G>T (p.Ser680Ile)

Gene: SPG11 (SPG11 vesicle trafficking associated, spatacsin; minus strand). Cytogenetic location: 15q21.1.
Variant type: single nucleotide variant.
Coding change: c.2039G>T on transcript NM_025137.4 (MANE Select); coding-DNA position 2039, G replaced by T.
Protein change: p.Ser680Ile; replaces serine 680 with isoleucine.
Molecular consequence: missense variant.
Genome position (GRCh38, 1-based): chr15:44,628,697, C>A on the plus strand (G>T on the coding strand, the complement: SPG11 is on the minus strand). VCF-style: chr15-44628697-C-A. GRCh37 (hg19) VCF-style: chr15-44920895-C-A.
Other names: c.2039G>T (NM_025137.3); c.2039G>T, p.Ser680Ile (NM_001160227.2); short protein forms S680I.
Identifiers: ClinVar variation 1378118 (VCV001378118.6), dbSNP rs745860301, ClinGen allele CA7535367.

ClinVar aggregate classification (germline): Uncertain significance. Review status: criteria provided, multiple submitters, no conflicts (2 of 4 stars). 2 submissions from 2 submitters: Uncertain significance (2). Last evaluated 2024-10-04.

Conditions:
Hereditary spastic paraplegia 11. Also called: Spastic paraplegia, mental retardation and thin corpus callosum; SPASTIC PARAPLEGIA, AUTOSOMAL RECESSIVE, COMPLICATED, WITH THIN CORPUS CALLOSUM; SPASTIC PARAPLEGIA, AUTOSOMAL RECESSIVE, WITH MENTAL IMPAIRMENT AND THIN CORPUS CALLOSUM; Nakamura Osame syndrome; Autosomal recessive hereditary spastic paraplegia, mental impairment, and thin corpus callosum; Spastic Paraplegia 11. Identifiers: Orphanet 2822, MedGen C1858479, MONDO:0011445, OMIM 604360.
Inborn genetic diseases. Identifiers: MedGen C0950123, MeSH D030342.

Allele frequency attached by ClinVar (database versions not stated): gnomAD exomes below 0.00001 and 0.00001; ExAC 0.00002; gnomAD 0.00002; TOPMed 0.00003.
gnomAD v4.1: 5 of 1,613,572 alleles (0.00031%); highest among the groups gnomAD compares: African/African-American, 0.0067%; no homozygotes.

Submissions (2):

Ambry Genetics
Classification: Uncertain significance for Inborn genetic diseases. Last evaluated: 2024-10-04. Review status: criteria provided, single submitter. Criteria: Ambry Variant Classification Scheme 2023. Collection method: clinical testing. Allele origin: germline.

Labcorp Genetics (formerly Invitae), Labcorp
Classification: Uncertain significance for Hereditary spastic paraplegia 11. Last evaluated: 2021-08-27. Review status: criteria provided, single submitter. Criteria: Invitae Variant Classification Sherloc (09022015). Collection method: clinical testing. Allele origin: germline.
Comment: This sequence change replaces serine with isoleucine at codon 680 of the SPG11 protein (p.Ser680Ile). The serine residue is moderately conserved and there is a large physicochemical difference between serine and isoleucine. This variant is present in population databases (rs745860301, ExAC 0.02%). This variant has not been reported in the literature in individuals affected with SPG11-related conditions. Algorithms developed to predict the effect of missense changes on protein structure and function are either unavailable or do not agree on the potential impact of this missense change (SIFT: "Deleterious"; PolyPhen-2: "Possibly Damaging"; Align-GVGD: "Class C0"). In summary, the available evidence is currently insufficient to determine the role of this variant in disease. Therefore, it has been classified as a Variant of Uncertain Significance.